The following is an entry in ClinVar:

ClinVar aggregate classification (germline): Uncertain significance. Review status: criteria provided, multiple submitters, no conflicts (2 of 4 stars). 3 submissions from 3 submitters: Uncertain significance (3). Last evaluated 2025-03-13.

Conditions:
Hereditary cancer-predisposing syndrome. Also called: Hereditary neoplastic syndrome; Hereditary Cancer Syndrome; Neoplastic Syndromes, Hereditary; Tumor predisposition. Identifiers: Orphanet 140162, MedGen C0027672, MeSH D009386, MONDO:0015356.

Allele frequency attached by ClinVar (database versions not stated): gnomAD exomes below 0.00001 and 0.00001; gnomAD 0.00001 and 0.00002; TOPMed 0.00001; ExAC 0.00002; 1000 Genomes Project 0.00020; 1000 Genomes Project 30x 0.00031.
gnomAD v4.1: 7 of 1,613,796 alleles (0.00043%); highest among the groups gnomAD compares: East Asian, 0.013%; no homozygotes.

Submissions (3):

Quest Diagnostics Nichols Institute San Juan Capistrano
Classification: Uncertain significance. Last evaluated: 2025-03-13. Review status: criteria provided, single submitter. Criteria: Quest Diagnostics criteria. Collection method: clinical testing. Allele origin: unknown.
Comment: The RAD50 c.2501A>G (p.Glu834Gly) variant has not been reported in individuals with RAD50-related conditions in the published literature. The frequency of this variant in the general population (Genome Aggregation Database) is uninformative in the assessment of its pathogenicity. Analysis of this variant using bioinformatics tools for the prediction of the effect of amino acid changes on protein structure and function yielded predictions that this variant is benign. Based on the available information, we are unable to determine the clinical significance of this variant.

Labcorp Genetics (formerly Invitae), Labcorp
Classification: Uncertain significance for Hereditary cancer-predisposing syndrome. Last evaluated: 2025-02-03. Review status: criteria provided, single submitter. Criteria: Invitae Variant Classification Sherloc (09022015). Collection method: clinical testing. Allele origin: germline.
Comment: This sequence change replaces glutamic acid, which is acidic and polar, with glycine, which is neutral and non-polar, at codon 834 of the RAD50 protein (p.Glu834Gly). This variant is present in population databases (rs541233049, gnomAD 0.02%). This variant has not been reported in the literature in individuals affected with RAD50-related conditions. ClinVar contains an entry for this variant (Variation ID: 229831). Invitae Evidence Modeling of protein sequence and biophysical properties (such as structural, functional, and spatial information, amino acid conservation, physicochemical variation, residue mobility, and thermodynamic stability) indicates that this missense variant is expected to disrupt RAD50 protein function with a positive predictive value of 80%. In summary, the available evidence is currently insufficient to determine the role of this variant in disease. Therefore, it has been classified as a Variant of Uncertain Significance.

Ambry Genetics
Classification: Uncertain significance for Hereditary cancer-predisposing syndrome. Last evaluated: 2025-01-03. Review status: criteria provided, single submitter. Criteria: Ambry Variant Classification Scheme 2023. Collection method: clinical testing. Allele origin: germline.
Comment: The p.E834G variant (also known as c.2501A>G), located in coding exon 15 of the RAD50 gene, results from an A to G substitution at nucleotide position 2501. The glutamic acid at codon 834 is replaced by glycine, an amino acid with some similar properties. This amino acid position is well conserved in available vertebrate species. In addition, the in silico prediction for this alteration is inconclusive. Since supporting evidence is limited at this time, the clinical significance of this alteration remains unclear.

NM_005732.4(RAD50):c.2501A>G (p.Glu834Gly)

Gene: RAD50 (RAD50 double strand break repair protein; plus strand). Cytogenetic location: 5q31.1.
Variant type: single nucleotide variant.
Coding change: c.2501A>G on transcript NM_005732.4 (MANE Select); coding-DNA position 2501, A replaced by G.
Protein change: p.Glu834Gly; replaces glutamic acid 834 with glycine.
Molecular consequence: missense variant.
Genome position (GRCh38, 1-based): chr5:132,604,023, A>G. VCF-style: chr5-132604023-A-G. GRCh37 (hg19) VCF-style: chr5-131939715-A-G.
Other names: short protein forms E834G.
Identifiers: ClinVar variation 229831 (VCV000229831.16), dbSNP rs541233049, ClinGen allele CA3405401.